The following is an entry in ClinVar:

ClinVar aggregate classification (germline): Uncertain significance (1 of 4 stars; one submission).

Conditions:
Cardiovascular phenotype. Identifiers: MedGen CN230736.

Submission:

Ambry Genetics
Classification: Uncertain significance for Cardiovascular phenotype. Last evaluated: 2024-03-21. Review status: criteria provided, single submitter. Criteria: Ambry Variant Classification Scheme 2023. Collection method: clinical testing. Allele origin: germline.
Comment: The p.S234T variant (also known as c.700T>A), located in coding exon 2 of the NKX2-5 gene, results from a T to A substitution at nucleotide position 700. The serine at codon 234 is replaced by threonine, an amino acid with similar properties. This amino acid position is conserved. In addition, this alteration is predicted to be tolerated by in silico analysis. Based on the available evidence, the clinical significance of this alteration remains unclear.

NM_004387.4(NKX2-5):c.700T>A (p.Ser234Thr)

Gene: NKX2-5 (NK2 homeobox 5; minus strand). Cytogenetic location: 5q35.1.
Variant type: single nucleotide variant.
Coding change: c.700T>A on transcript NM_004387.4 (MANE Select); coding-DNA position 700, T replaced by A.
Protein change: p.Ser234Thr; replaces serine 234 with threonine.
Molecular consequence: missense variant. On other transcripts: 3 prime UTR variant (2).
Genome position (GRCh38, 1-based): chr5:173,232,844, A>T on the plus strand (T>A on the coding strand, the complement: NKX2-5 is on the minus strand). VCF-style: chr5-173232844-A-T. GRCh37 (hg19) VCF-style: chr5-172659847-A-T.
Other names: c.*653T>A (NM_001166175.2); c.*499T>A (NM_001166176.2); short protein forms S234T.
Identifiers: ClinVar variation 3299920 (VCV003299920.1).